The following is an entry in ClinVar:

ClinVar aggregate classification (germline): Benign (1 of 4 stars; one submission).

Conditions:
Fraser syndrome 1 (FRASRS1). Also called: CRYPTOPHTHALMOS WITH OTHER MALFORMATIONS. Identifiers: Orphanet 2052, MedGen C4551480, MONDO:0054737, OMIM 219000.

Allele frequency attached by ClinVar (database versions not stated): 1000 Genomes Project 0.02955; 1000 Genomes Project 30x 0.03076; gnomAD 0.03288 and 0.03563; TOPMed 0.03686.

Submissions (3):

Illumina Laboratory Services, Illumina
Classification: Benign for Fraser syndrome 1. Last evaluated: 2018-01-12. Review status: criteria provided, single submitter. Criteria: ICSL Variant Classification Criteria 13 December 2019. Collection method: clinical testing. Allele origin: germline.
Comment: This variant was observed in the ICSL laboratory as part of a predisposition screen in an ostensibly healthy population. It had not been previously curated by ICSL or reported in the Human Gene Mutation Database (HGMD: prior to June 1st, 2018), and was therefore a candidate for classification through an automated scoring system. Utilizing variant allele frequency, disease prevalence and penetrance estimates, and inheritance mode, an automated score was calculated to assess if this variant is too frequent to cause the disease. Based on the score and internal cut-off values, a variant classified as benign is not then subjected to further curation. The score for this variant resulted in a classification of benign for this disease.

Dr. Peter K. Rogan Lab, Western University
No classification provided (evidence only). Condition: Uterine corpus endometrial carcinoma. Review status: no classification provided. Collection method: in vitro. Allele origin: not applicable. Functional consequence: retained intron. Not counted in ClinVar's aggregate classification.

Dr. Peter K. Rogan Lab, Western University
No classification provided (evidence only). Condition: Cervical cancer. Review status: no classification provided. Collection method: in vitro. Allele origin: not applicable. Functional consequence: retained intron. Not counted in ClinVar's aggregate classification.

NM_025074.7(FRAS1):c.*3092A>G

Gene: FRAS1 (Fraser extracellular matrix complex subunit 1; plus strand). Cytogenetic location: 4q21.21.
Variant type: single nucleotide variant.
Coding change: c.*3092A>G on transcript NM_025074.7 (MANE Select); 3092 bases downstream of the stop codon, A replaced by G.
Molecular consequence: 3 prime UTR variant.
Genome position (GRCh38, 1-based): chr4:78,544,216, A>G. VCF-style: chr4-78544216-A-G. GRCh37 (hg19) VCF-style: chr4-79465370-A-G.
Other names: NC_000004.11:g.79465370A>G.
Identifiers: ClinVar variation 349869 (VCV000349869.6), dbSNP rs17003335, ClinGen allele CA10621811.
Genomic context (GRCh38, chr4:78,544,216, plus strand): 5'-CTCAAATGATTTTTGTATTTCCAATATGAATTTGTGTGTTATGAATTTCTGATTTCTCCA[A>G]TAGTATATGCCACTATATAAATTTGTATTAATAAATGACAGTCTTGTTGGTTTTTTGTTT-3'